The following is an entry in ClinVar:

ClinVar aggregate classification (germline): Likely pathogenic (1 of 4 stars; one submission).

Conditions:
Abnormal brain morphology. Also called: Abnormality of brain morphology. Identifiers: MedGen C4021085, HP:0012443.

Submission:

Lupski Lab, Baylor-Hopkins CMG, Baylor College of Medicine
Classification: Likely pathogenic for Abnormal brain morphology. Review status: criteria provided, single submitter. Criteria: Karaca et al. (Neuron 2015). Collection method: research. Allele origin: inherited. Inheritance: X-linked inheritance. Affected: yes.
Comment: Hemizygous stop gain

NM_001282874.2(SMARCA1):c.7C>T (p.Gln3Ter)

Gene: SMARCA1 (SWI/SNF related, matrix associated, actin dependent regulator of chromatin, subfamily a, member 1; minus strand). Cytogenetic location: Xq26.1.
Variant type: single nucleotide variant.
Coding change: c.7C>T on transcript NM_001282874.2 (MANE Select); coding-DNA position 7, C replaced by T.
Protein change: p.Gln3Ter; replaces glutamine 3 with a stop codon.
Molecular consequence: nonsense.
Genome position (GRCh38, 1-based): chrX:129,523,364, G>A on the plus strand (C>T on the coding strand, the complement: SMARCA1 is on the minus strand). VCF-style: chrX-129523364-G-A. GRCh37 (hg19) VCF-style: chrX-128657341-G-A.
Other names: c.7C>T, p.Gln3Ter (NM_001282875.2, NM_003069.5); short protein forms Q3*.
Identifiers: ClinVar variation 402137 (VCV000402137.1), dbSNP rs1060499736, ClinGen allele CA501238.